The following is an entry in ClinVar:

ClinVar aggregate classification (germline): Likely benign (1 of 4 stars; one submission).

Submission:

CeGaT Center for Human Genetics Tuebingen
Classification: Likely benign. Last evaluated: 2026-04-01. Review status: criteria provided, single submitter. Criteria: CeGaT Center For Human Genetics Tuebingen Variant Classification Criteria Version 2. Collection method: clinical testing. Allele origin: germline. Affected: yes. Observed: 1 variant allele.
Comment: SOX21: PM2:Supporting, BP4, BP7

NM_007084.4(SOX21):c.540A>G (p.Ala180=)

Gene: SOX21 (SRY-box transcription factor 21; minus strand). Cytogenetic location: 13q32.1.
Variant type: single nucleotide variant.
Coding change: c.540A>G on transcript NM_007084.4 (MANE Select); coding-DNA position 540, A replaced by G.
Protein change: p.Ala180=; no amino-acid change (alanine 180 retained).
Molecular consequence: synonymous variant.
Genome position (GRCh38, 1-based): chr13:94,711,510, T>C on the plus strand (A>G on the coding strand, the complement: SOX21 is on the minus strand). VCF-style: chr13-94711510-T-C. GRCh37 (hg19) VCF-style: chr13-95363764-T-C.
Identifiers: ClinVar variation 4874729 (VCV004874729.2).